The following is an entry in ClinVar:

ClinVar aggregate classification (germline): Pathogenic (1 of 4 stars; one submission).

Conditions:
Duchenne muscular dystrophy (DMD). Also called: Duchenne Muscular Dystrophy (DMD); MUSCULAR DYSTROPHY, PSEUDOHYPERTROPHIC PROGRESSIVE, DUCHENNE TYPE. Identifiers: Orphanet 98896, MedGen C0013264, MONDO:0010679, OMIM 310200.

Submission:

Labcorp Genetics (formerly Invitae), Labcorp
Classification: Pathogenic for Duchenne muscular dystrophy. Last evaluated: 2021-09-25. Review status: criteria provided, single submitter. Criteria: Invitae Variant Classification Sherloc (09022015). Collection method: clinical testing. Allele origin: germline.
Comment: For these reasons, this variant has been classified as Pathogenic. This variant has not been reported in the literature in individuals affected with DMD-related conditions. This variant is not present in population databases (ExAC no frequency). This sequence change creates a premature translational stop signal (p.Lys1062Asnfs*10) in the DMD gene. It is expected to result in an absent or disrupted protein product. Loss-of-function variants in DMD are known to be pathogenic (PMID: 16770791, 25007885).

Literature cited by the submitters: PubMed 16770791; PubMed 25007885.

NM_004006.3(DMD):c.3186del (p.Lys1062fs)

Gene: DMD (dystrophin; minus strand). Cytogenetic location: Xp21.1.
Variant type: Deletion.
Coding change: c.3186del on transcript NM_004006.3 (MANE Select); coding-DNA position 3186, one base deleted (A; older notation c.3186delA).
Protein change: p.Lys1062fs; shifts the reading frame from lysine 1062.
Molecular consequence: frameshift variant.
Genome position (GRCh38, 1-based): chrX:32,464,676, T deleted on the plus strand (A on the coding strand, the reverse complement: DMD is on the minus strand); the first of 3 consecutive T bases (chrX:32,464,676-32,464,678); deleting any one gives the same sequence. VCF-style (leftmost placement, unchanged base first): chrX-32464675-AT-A. GRCh37 (hg19) VCF-style: chrX-32482792-AT-A.
Other names: c.3162del, p.Lys1054fs (NM_000109.4); c.3174del, p.Lys1058fs (NM_004009.3); c.2817del, p.Lys939fs (NM_004010.3); short protein forms K1058fs, K1054fs, K1062fs, K939fs.
Identifiers: ClinVar variation 1453976 (VCV001453976.6), dbSNP rs2148428193, ClinGen allele CA2573158962.